The following is an entry in ClinVar:

ClinVar aggregate classification (germline): Uncertain significance (1 of 4 stars; one submission).

Conditions:
Combined oxidative phosphorylation defect type 27. Also called: Combined oxidative phosphorylation deficiency 27. Identifiers: Orphanet 477774, MedGen C5567608, MONDO:0014728, OMIM 616672.

Submission:

Labcorp Genetics (formerly Invitae), Labcorp
Classification: Uncertain significance for Combined oxidative phosphorylation defect type 27. Last evaluated: 2020-05-21. Review status: criteria provided, single submitter. Criteria: Invitae Variant Classification Sherloc (09022015). Collection method: clinical testing. Allele origin: germline.
Comment: This sequence change replaces isoleucine with methionine at codon 172 of the CARS2 protein (p.Ile172Met). The isoleucine residue is highly conserved and there is a small physicochemical difference between isoleucine and methionine. This variant is not present in population databases (ExAC no frequency). This variant has not been reported in the literature in individuals with CARS2-related conditions. Algorithms developed to predict the effect of missense changes on protein structure and function are either unavailable or do not agree on the potential impact of this missense change (SIFT: "Deleterious"; PolyPhen-2: "Probably Damaging"; Align-GVGD: "Class C0"). In summary, the available evidence is currently insufficient to determine the role of this variant in disease. Therefore, it has been classified as a Variant of Uncertain Significance.

NM_024537.4(CARS2):c.516A>G (p.Ile172Met)

Gene: CARS2 (cysteinyl-tRNA synthetase 2, mitochondrial; minus strand). Cytogenetic location: 13q34.
Variant type: single nucleotide variant.
Coding change: c.516A>G on transcript NM_024537.4 (MANE Select); coding-DNA position 516, A replaced by G.
Protein change: p.Ile172Met; replaces isoleucine 172 with methionine.
Molecular consequence: missense variant. On other transcripts: 5 prime UTR variant (1), non-coding transcript variant (2).
Genome position (GRCh38, 1-based): chr13:110,687,776, T>C on the plus strand (A>G on the coding strand, the complement: CARS2 is on the minus strand). VCF-style: chr13-110687776-T-C. GRCh37 (hg19) VCF-style: chr13-111340123-T-C.
Other names: c.-484A>G (NM_001352252.2); c.516A>G, p.Ile172Met (NM_001352253.3); short protein forms I172M.
Identifiers: ClinVar variation 1022122 (VCV001022122.9), dbSNP rs2063344998, ClinGen allele CA388738261.